The following is an entry in ClinVar:

ClinVar aggregate classification (germline): Uncertain significance (1 of 4 stars; one submission).

Conditions:
Left-right axis malformations. Identifiers: MedGen C1866091.

Submission:

Labcorp Genetics (formerly Invitae), Labcorp
Classification: Uncertain significance for Left-right axis malformations. Last evaluated: 2025-05-20. Review status: criteria provided, single submitter. Criteria: Invitae Variant Classification Sherloc (09022015). Collection method: clinical testing. Allele origin: germline.
Comment: This sequence change replaces phenylalanine, which is neutral and non-polar, with leucine, which is neutral and non-polar, at codon 101 of the LEFTY2 protein (p.Phe101Leu). This variant is not present in population databases (gnomAD no frequency). This variant has not been reported in the literature in individuals affected with LEFTY2-related conditions. ClinVar contains an entry for this variant (Variation ID: 2854499). Invitae Evidence Modeling of protein sequence and biophysical properties (such as structural, functional, and spatial information, amino acid conservation, physicochemical variation, residue mobility, and thermodynamic stability) indicates that this missense variant is not expected to disrupt LEFTY2 protein function with a negative predictive value of 80%. In summary, the available evidence is currently insufficient to determine the role of this variant in disease. Therefore, it has been classified as a Variant of Uncertain Significance.

NM_003240.5(LEFTY2):c.303C>G (p.Phe101Leu)

Gene: LEFTY2 (left-right determination factor 2; minus strand). Cytogenetic location: 1q42.12.
Variant type: single nucleotide variant.
Coding change: c.303C>G on transcript NM_003240.5 (MANE Select); coding-DNA position 303, C replaced by G.
Protein change: p.Phe101Leu; replaces phenylalanine 101 with leucine.
Molecular consequence: missense variant. On other transcripts: intron variant (1).
Genome position (GRCh38, 1-based): chr1:225,939,950, G>C on the plus strand (C>G on the coding strand, the complement: LEFTY2 is on the minus strand). VCF-style: chr1-225939950-G-C. GRCh37 (hg19) VCF-style: chr1-226127650-G-C.
Other names: c.279+24C>G (NM_001172425.3); short protein forms F101L.
Identifiers: ClinVar variation 2854499 (VCV002854499.3), dbSNP rs1672277885, ClinGen allele CA345017169.
Genomic context (GRCh38, chr1:225,939,950, plus strand): 5'-GAAGAGCCGCAGCACGGCCTGCACCAGCTCGCTGTTGGGCGGCAGCCGCTGCTCCATGCC[G>C]AACACCAGCAGGTGTGTGCTGGCCTCCGACGCCAGGAACCTGCCGGCCACCTCTGGGGAC-3'
Protein context (NP_003231.2, residues 91-111): ASEASTHLLV[Phe101Leu]GMEQRLPPNS